The following is an entry in ClinVar:

NM_005559.4(LAMA1):c.1717G>A (p.Glu573Lys)

Gene: LAMA1 (laminin subunit alpha 1; minus strand). Cytogenetic location: 18p11.31.
Variant type: single nucleotide variant.
Coding change: c.1717G>A on transcript NM_005559.4 (MANE Select); coding-DNA position 1717, G replaced by A.
Protein change: p.Glu573Lys; replaces glutamic acid 573 with lysine.
Molecular consequence: missense variant.
Genome position (GRCh38, 1-based): chr18:7,037,598, C>T on the plus strand (G>A on the coding strand, the complement: LAMA1 is on the minus strand). VCF-style: chr18-7037598-C-T. GRCh37 (hg19) VCF-style: chr18-7037597-C-T.
Other names: c.1717G>A (NM_005559.3); short protein forms E573K.
Identifiers: ClinVar variation 2648551 (VCV002648551.25), dbSNP rs202157653, ClinGen allele CA8882913.

ClinVar aggregate classification (germline): Uncertain significance. Review status: criteria provided, multiple submitters, no conflicts (2 of 4 stars). 2 submissions from 2 submitters: Uncertain significance (2). Last evaluated 2025-07-03.

Conditions:
Inborn genetic diseases. Identifiers: MedGen C0950123, MeSH D030342.

Allele frequency attached by ClinVar (database versions not stated): gnomAD exomes below 0.00001; ExAC 0.00002; TOPMed 0.00002; gnomAD 0.00003; 1000 Genomes Project 30x 0.00031; 1000 Genomes Project 0.00040.
gnomAD v4.1: 12 of 1,614,040 alleles (0.00074%); highest among the groups gnomAD compares: African/African-American, 0.008%; no homozygotes.

Submissions (2):

Ambry Genetics
Classification: Uncertain significance for Inborn genetic diseases. Last evaluated: 2025-07-03. Review status: criteria provided, single submitter. Criteria: Ambry Variant Classification Scheme 2023. Collection method: clinical testing. Allele origin: germline.

CeGaT Center for Human Genetics Tuebingen
Classification: Uncertain significance. Last evaluated: 2023-08-01. Review status: criteria provided, single submitter. Criteria: CeGaT Center For Human Genetics Tuebingen Variant Classification Criteria Version 2. Collection method: clinical testing. Allele origin: germline. Affected: yes. Observed: 1 variant allele.
Comment: LAMA1: PM2, BP4